The following is an entry in ClinVar:

NM_001297.5(CNGB1):c.2233C>A (p.Leu745Ile)

Gene: CNGB1 (cyclic nucleotide gated channel subunit beta 1; minus strand). Cytogenetic location: 16q21.
Variant type: single nucleotide variant.
Coding change: c.2233C>A on transcript NM_001297.5 (MANE Select); coding-DNA position 2233, C replaced by A.
Protein change: p.Leu745Ile; replaces leucine 745 with isoleucine.
Molecular consequence: missense variant.
Genome position (GRCh38, 1-based): chr16:57,915,320, G>T on the plus strand (C>A on the coding strand, the complement: CNGB1 is on the minus strand). VCF-style: chr16-57915320-G-T. GRCh37 (hg19) VCF-style: chr16-57949224-G-T.
Other names: c.2215C>A, p.Leu739Ile (NM_001286130.2); short protein forms L745I, L739I.
Identifiers: ClinVar variation 93698 (VCV000093698.29), dbSNP rs10459809, ClinGen allele CA147222.

ClinVar aggregate classification (germline): Benign. Review status: criteria provided, multiple submitters, no conflicts (2 of 4 stars). 7 submissions from 7 submitters: Benign (6). 1 of the submissions does not count toward it. Last evaluated 2026-02-04.

Conditions:
Retinal dystrophy. Also called: Inherited retinal dystrophy. Identifiers: Orphanet 71862, MedGen C0854723, MeSH D058499, MONDO:0019118, HP:0000556.
Retinitis pigmentosa (RP). Identifiers: Orphanet 791, MedGen C0035334, MeSH D012174, MONDO:0019200, OMIM 268000. Inheritance: Autosomal dominant, autosomal recessive and X linked inheritance.
Retinitis pigmentosa 45 (RP45). Identifiers: Orphanet 791, MedGen C3151066, MONDO:0013413, OMIM 613767.

Allele frequency attached by ClinVar (database versions not stated): TOPMed 0.12971; gnomAD exomes 0.13023; ESP Exome Variant Server 0.13936; gnomAD 0.14066 and 0.13755; 1000 Genomes Project 0.09225; 1000 Genomes Project 30x 0.09260; ExAC 0.13513.
gnomAD v4.1: 245,099 of 1,612,560 alleles (15%); highest among the groups gnomAD compares: Middle Eastern, 18%; 19,990 homozygotes.

Submissions (7):

Labcorp Genetics (formerly Invitae), Labcorp
Classification: Benign. Last evaluated: 2026-02-04. Review status: criteria provided, single submitter. Criteria: Invitae Variant Classification Sherloc (09022015). Collection method: clinical testing. Allele origin: germline.

ARUP Laboratories, Molecular Genetics and Genomics, ARUP Laboratories
Classification: Benign for Retinitis pigmentosa 45. Last evaluated: 2023-11-09. Review status: criteria provided, single submitter. Criteria: ARUP Molecular Germline Variant Investigation Process 2024. Collection method: clinical testing. Allele origin: germline.

Dept Of Ophthalmology, Nagoya University
Classification: Benign for Retinal dystrophy. Last evaluated: 2023-10-01. Review status: criteria provided, single submitter. Criteria: Submitter's publication. Collection method: research. Allele origin: germline. Affected: yes.

Illumina Laboratory Services, Illumina
Classification: Benign for Retinitis pigmentosa. Last evaluated: 2018-01-13. Review status: criteria provided, single submitter. Criteria: ICSL Variant Classification Criteria 13 December 2019. Collection method: clinical testing. Allele origin: germline.
Comment: This variant was observed in the ICSL laboratory as part of a predisposition screen in an ostensibly healthy population. It had not been previously curated by ICSL or reported in the Human Gene Mutation Database (HGMD: prior to June 1st, 2018), and was therefore a candidate for classification through an automated scoring system. Utilizing variant allele frequency, disease prevalence and penetrance estimates, and inheritance mode, an automated score was calculated to assess if this variant is too frequent to cause the disease. Based on the score and internal cut-off values, a variant classified as benign is not then subjected to further curation. The score for this variant resulted in a classification of benign for this disease.

Eurofins Ntd Llc (ga)
Classification: Benign. Last evaluated: 2013-09-20. Review status: criteria provided, single submitter. Criteria: EGL Classification Definitions 2015. Collection method: clinical testing. Allele origin: germline. Observed: 2 variant alleles, 1 heterozygote, 1 homozygote.

Breakthrough Genomics
Classification: Benign. Review status: criteria provided, single submitter. Criteria: ACMG Guidelines, 2015. Collection method: not provided. Allele origin: germline. Inheritance: Autosomal recessive inheritance. Affected: yes.

NEI Ophthalmic Genomics Laboratory, National Institutes of Health
No classification provided. Review status: no classification provided. Collection method: not provided. Allele origin: not provided. Not counted in ClinVar's aggregate classification.